The following is an entry in ClinVar:

ClinVar aggregate classification (germline): Uncertain significance (1 of 4 stars; one submission).

Submission:

Labcorp Genetics (formerly Invitae), Labcorp
Classification: Uncertain significance. Last evaluated: 2020-10-08. Review status: criteria provided, single submitter. Criteria: Invitae Variant Classification Sherloc (09022015). Collection method: clinical testing. Allele origin: germline.
Comment: In summary, the available evidence is currently insufficient to determine the role of this variant in disease. Therefore, it has been classified as a Variant of Uncertain Significance. Algorithms developed to predict the effect of missense changes on protein structure and function (SIFT, PolyPhen-2, Align-GVGD) all suggest that this variant is likely to be tolerated, but these predictions have not been confirmed by published functional studies and their clinical significance is uncertain. This variant has not been reported in the literature in individuals with SMARCB1-related conditions. This variant is not present in population databases (ExAC no frequency). This sequence change replaces proline with threonine at codon 116 of the SMARCB1 protein (p.Pro116Thr). The proline residue is moderately conserved and there is a small physicochemical difference between proline and threonine.

NM_003073.5(SMARCB1):c.346C>A (p.Pro116Thr)

Gene: SMARCB1 (SWI/SNF related BAF chromatin remodeling complex subunit B1; plus strand). Cytogenetic location: 22q11.23.
Variant type: single nucleotide variant.
Coding change: c.346C>A on transcript NM_003073.5 (MANE Select); coding-DNA position 346, C replaced by A.
Protein change: p.Pro116Thr; replaces proline 116 with threonine.
Molecular consequence: missense variant.
Genome position (GRCh38, 1-based): chr22:23,793,672, C>A. VCF-style: chr22-23793672-C-A. GRCh37 (hg19) VCF-style: chr22-24135859-C-A.
Other names: c.319C>A, p.Pro107Thr (NM_001007468.3, NM_001317946.2); c.346C>A, p.Pro116Thr (NM_001362877.2); short protein forms P107T, P116T.
Identifiers: ClinVar variation 1000107 (VCV001000107.8), dbSNP rs1928547553, ClinGen allele CA410934062.